The following is an entry in ClinVar:

ClinVar aggregate classification (germline): Uncertain significance (1 of 4 stars; one submission).

Conditions:
Congenital myasthenic syndrome 5. Identifiers: Orphanet 590, MedGen C1864233, MONDO:0011281, OMIM 603034.

Allele frequency attached by ClinVar (database versions not stated): gnomAD exomes below 0.00001 and 0.00001; ExAC 0.00001.
gnomAD v4.1: 5 of 1,614,158 alleles (0.00031%); highest among the groups gnomAD compares: Non-Finnish European, 0.00042%; no homozygotes.

Submission:

Labcorp Genetics (formerly Invitae), Labcorp
Classification: Uncertain significance for Congenital myasthenic syndrome 5. Last evaluated: 2023-08-24. Review status: criteria provided, single submitter. Criteria: Invitae Variant Classification Sherloc (09022015). Collection method: clinical testing. Allele origin: germline.
Comment: This sequence change replaces glutamic acid, which is acidic and polar, with aspartic acid, which is acidic and polar, at codon 329 of the COLQ protein (p.Glu329Asp). This variant is present in population databases (rs758991725, gnomAD 0.0009%). This variant has not been reported in the literature in individuals affected with COLQ-related conditions. ClinVar contains an entry for this variant (Variation ID: 1354521). Advanced modeling of protein sequence and biophysical properties (such as structural, functional, and spatial information, amino acid conservation, physicochemical variation, residue mobility, and thermodynamic stability) performed at Invitae indicates that this missense variant is not expected to disrupt COLQ protein function. In summary, the available evidence is currently insufficient to determine the role of this variant in disease. Therefore, it has been classified as a Variant of Uncertain Significance.

NM_005677.4(COLQ):c.987G>C (p.Glu329Asp)

Gene: COLQ (collagen like tail subunit of asymmetric acetylcholinesterase; minus strand). Cytogenetic location: 3p25.1.
Variant type: single nucleotide variant.
Coding change: c.987G>C on transcript NM_005677.4 (MANE Select); coding-DNA position 987, G replaced by C.
Protein change: p.Glu329Asp; replaces glutamic acid 329 with aspartic acid.
Molecular consequence: missense variant.
Genome position (GRCh38, 1-based): chr3:15,456,547, C>G on the plus strand (G>C on the coding strand, the complement: COLQ is on the minus strand). VCF-style: chr3-15456547-C-G. GRCh37 (hg19) VCF-style: chr3-15498054-C-G.
Other names: c.957G>C, p.Glu319Asp (NM_080538.2); c.885G>C, p.Glu295Asp (NM_080539.4); short protein forms E295D, E329D, E319D.
Identifiers: ClinVar variation 1354521 (VCV001354521.6), dbSNP rs758991725, ClinGen allele CA2275905.